The following is an entry in ClinVar:

NM_001267550.2(TTN):c.99936G>A (p.Trp33312Ter)

Genes: TTN-AS1 (TTN antisense RNA 1; plus strand), TTN (titin; minus strand), LOC126806420 (BRD4-independent group 4 enhancer GRCh37_chr2:179401104-179402303; plus strand). Cytogenetic location: 2q31.2.
Variant type: single nucleotide variant.
Coding change: c.99936G>A on transcript NM_001267550.2 (MANE Select); coding-DNA position 99936, G replaced by A.
Protein change: p.Trp33312Ter; replaces tryptophan 33312 with a stop codon.
Molecular consequence: nonsense.
Genome position (GRCh38, 1-based): chr2:178,537,173, C>T on the plus strand (G>A on the coding strand, the complement: TTN is on the minus strand). VCF-style: chr2-178537173-C-T. GRCh37 (hg19) VCF-style: chr2-179401900-C-T.
Other names: c.95013G>A, p.Trp31671Ter (NM_001256850.1); c.72741G>A, p.Trp24247Ter (NM_003319.4); c.92232G>A, p.Trp30744Ter (NM_133378.4); c.73116G>A, p.Trp24372Ter (NM_133432.3); c.73317G>A, p.Trp24439Ter (NM_133437.4); short protein forms W24247*, W24372*, W24439*, W30744*, W31671*, W33312*.
Identifiers: ClinVar variation 3223349 (VCV003223349.3), dbSNP rs1294718974, ClinGen allele CA349427122.

ClinVar aggregate classification (germline): Likely pathogenic. Review status: criteria provided, multiple submitters, no conflicts (2 of 4 stars). 2 submissions from 2 submitters: Likely pathogenic (2). Last evaluated 2026-01-26.

Conditions:
Cardiovascular phenotype. Identifiers: MedGen CN230736.
Autosomal recessive limb-girdle muscular dystrophy type 2J (LGMDR10). Also called: Limb-girdle muscular dystrophy, type 2J; MUSCULAR DYSTROPHY, LIMB-GIRDLE, AUTOSOMAL RECESSIVE 10. Identifiers: Orphanet 140922, MedGen C1837342, MONDO:0012127, OMIM 608807.
Dilated cardiomyopathy 1G (CMD1G). Identifiers: Orphanet 154, MedGen C1858763, MONDO:0011400, OMIM 604145.

Allele frequency attached by ClinVar (database versions not stated): gnomAD exomes below 0.00001; gnomAD 0.00002.
gnomAD v4.1: 4 of 1,613,524 alleles (0.00025%); highest among the groups gnomAD compares: Non-Finnish European, 0.00034%; no homozygotes.

Submissions (2):

Labcorp Genetics (formerly Invitae), Labcorp
Classification: Likely pathogenic for Dilated cardiomyopathy 1G; Autosomal recessive limb-girdle muscular dystrophy type 2J. Last evaluated: 2026-01-26. Review status: criteria provided, single submitter. Criteria: Invitae Variant Classification Sherloc (09022015). Collection method: clinical testing. Allele origin: germline.
Comment: This sequence change creates a premature translational stop signal (p.Trp33312*) in the TTN gene. While this is not anticipated to result in nonsense mediated decay, it is expected to create a truncated TTN protein. This variant is present in population databases (no rsID available, gnomAD 0.01%). This premature translational stop signal has been observed in individual(s) with atrial fibrillation and/or dilated cardiomyopathy (PMID: 30535219, 32998006, 34495297). ClinVar contains an entry for this variant (Variation ID: 3223349). This variant is located in the A band of TTN (PMID: 25589632). Truncating variants in this region are significantly overrepresented in patients affected with dilated cardiomyopathy (PMID: 25589632). Truncating variants in this region have also been reported in individuals affected with autosomal recessive centronuclear myopathy (PMID: 23975875). In summary, the currently available evidence indicates that the variant is pathogenic, but additional data are needed to prove that conclusively. Therefore, this variant has been classified as Likely Pathogenic.

Ambry Genetics
Classification: Likely pathogenic for Cardiovascular phenotype. Last evaluated: 2024-01-10. Review status: criteria provided, single submitter. Criteria: Ambry Variant Classification Scheme 2023. Collection method: clinical testing. Allele origin: germline.
Comment: The p.W24247* variant (also known as c.72741G>A), located in coding exon 183 of the TTN gene, results from a G to A substitution at nucleotide position 72741. This changes the amino acid from a tryptophan to a stop codon within coding exon 183. This exon is located in the A-band region of the N2-B isoform of the titin protein and is constitutively expressed in TTN transcripts (percent spliced in or PSI 100%). This variant has been reported in an early-onset atrial fibrillation cohort (Choi SH et al. JAMA, 2018 Dec;320:2354-2364). This alteration is expected to result in loss of function by premature protein truncation or nonsense-mediated mRNA decay. While truncating variants in TTN are present in 1-3% of the general population, truncating variants in the A-band are the most common cause of dilated cardiomyopathy (DCM) (Herman DS et al. N. Engl. J. Med., 2012 Feb;366:619-28; Roberts AM et al. Sci Transl Med, 2015 Jan;7:270ra6). TTN truncating variants encoded in constitutive exons (PSI >90%) have been found to be significantly associated with DCM regardless of their position in titin (Schafer S et al. Nat. Genet., 2017 01;49:46-53). Based on the majority of available evidence to date, this variant is likely to be pathogenic.

Literature cited by the submitters: PubMed 30535219 (cited by Labcorp Genetics (formerly Invitae), Labcorp and Ambry Genetics); PubMed 32998006 (cited by Labcorp Genetics (formerly Invitae), Labcorp); PubMed 34495297 (cited by Labcorp Genetics (formerly Invitae), Labcorp); PubMed 25589632 (cited by Labcorp Genetics (formerly Invitae), Labcorp); PubMed 23975875 (cited by Labcorp Genetics (formerly Invitae), Labcorp).